The following is an entry in ClinVar:

ClinVar aggregate classification (germline): Uncertain significance. Review status: criteria provided, multiple submitters, no conflicts (2 of 4 stars). 2 submissions from 2 submitters: Uncertain significance (2). Last evaluated 2025-11-25.

Conditions:
Colorectal cancer. Also called: Colorectal cancer, somatic; Malignant Colorectal Neoplasm. Identifiers: MedGen C0346629, MONDO:0005575, OMIM 114500.

gnomAD v4.1: 142 of 1,613,452 alleles (0.0088%); highest among the groups gnomAD compares: Admixed American, 0.038%; no homozygotes.

Submissions (2):

Labcorp Genetics (formerly Invitae), Labcorp
Classification: Uncertain significance. Last evaluated: 2025-11-25. Review status: criteria provided, single submitter. Criteria: Invitae Variant Classification Sherloc (09022015). Collection method: clinical testing. Allele origin: germline.
Comment: This sequence change replaces alanine, which is neutral and non-polar, with valine, which is neutral and non-polar, at codon 350 of the DLC1 protein (p.Ala350Val). This variant is present in population databases (rs148727515, gnomAD 0.06%), and has an allele count higher than expected for a pathogenic variant. This variant has not been reported in the literature in individuals affected with DLC1-related conditions. ClinVar contains an entry for this variant (Variation ID: 3595201). An algorithm developed to predict the effect of missense changes on protein structure and function outputs the following: PolyPhen-2: "Benign". The valine amino acid residue is found in multiple mammalian species, which suggests that this missense change does not adversely affect protein function. In summary, the available evidence is currently insufficient to determine the role of this variant in disease. Therefore, it has been classified as a Variant of Uncertain Significance.

Fulgent Genetics
Classification: Uncertain significance for Colorectal cancer. Last evaluated: 2024-05-02. Review status: criteria provided, single submitter. Criteria: ACMG Guidelines, 2015. Collection method: clinical testing. Allele origin: germline.

NM_182643.3(DLC1):c.1049C>T (p.Ala350Val)

Gene: DLC1 (DLC1 Rho GTPase activating protein; minus strand). Cytogenetic location: 8p22.
Variant type: single nucleotide variant.
Coding change: c.1049C>T on transcript NM_182643.3 (MANE Select); coding-DNA position 1049, C replaced by T.
Protein change: p.Ala350Val; replaces alanine 350 with valine.
Molecular consequence: missense variant. On other transcripts: 5 prime UTR variant (1).
Genome position (GRCh38, 1-based): chr8:13,401,594, G>A on the plus strand (C>T on the coding strand, the complement: DLC1 is on the minus strand). VCF-style: chr8-13401594-G-A. GRCh37 (hg19) VCF-style: chr8-13259103-G-A.
Other names: c.1049C>T, p.Ala350Val (NM_001348081.2, NM_001413124.1, NM_001413125.1 and 1 more transcripts); c.-403C>T (NM_001348082.2); short protein forms A350V.
Identifiers: ClinVar variation 3595201 (VCV003595201.3).